The following is an entry in ClinVar:

ClinVar aggregate classification (germline): Likely benign. Review status: criteria provided, single submitter (1 of 4 stars). 2 submissions from 2 submitters: Likely benign (1). 1 of the submissions does not count toward it. Last evaluated 2025-09-29.

Conditions:
MYO5B-related disorder. Also called: MYO5B-related condition.

Allele frequency attached by ClinVar (database versions not stated): gnomAD exomes 0.00002 and 0.00004; ExAC 0.00007; ESP Exome Variant Server 0.00008; gnomAD 0.00017 and 0.00018; TOPMed 0.00018; 1000 Genomes Project 0.00060; 1000 Genomes Project 30x 0.00062.
gnomAD v4.1: 48 of 1,614,142 alleles (0.003%); highest among the groups gnomAD compares: African/African-American, 0.064%; no homozygotes.

Submissions (2):

Labcorp Genetics (formerly Invitae), Labcorp
Classification: Likely benign. Last evaluated: 2025-09-29. Review status: criteria provided, single submitter. Criteria: Invitae Variant Classification Sherloc (09022015). Collection method: clinical testing. Allele origin: germline.

PreventionGenetics, part of Exact Sciences
Classification: Likely benign for MYO5B-related condition. Last evaluated: 2020-12-28. Review status: no assertion criteria provided. Collection method: clinical testing. Allele origin: germline. Not counted in ClinVar's aggregate classification.
Comment: This variant is classified as likely benign based on ACMG/AMP sequence variant interpretation guidelines (Richards et al. 2015 PMID: 25741868, with internal and published modifications).

NM_001080467.3(MYO5B):c.4905C>T (p.Pro1635=)

Genes: MYO5B (myosin VB; minus strand), SNHG22 (small nucleolar RNA host gene 22; plus strand). Cytogenetic location: 18q21.1.
Variant type: single nucleotide variant.
Coding change: c.4905C>T on transcript NM_001080467.3 (MANE Select); coding-DNA position 4905, C replaced by T.
Protein change: p.Pro1635=; no amino-acid change (proline 1635 retained).
Molecular consequence: synonymous variant.
Genome position (GRCh38, 1-based): chr18:49,837,750, G>A on the plus strand (C>T on the coding strand, the complement: MYO5B is on the minus strand). VCF-style: chr18-49837750-G-A. GRCh37 (hg19) VCF-style: chr18-47364120-G-A.
Other names: c.4905C>T (NM_001080467.2).
Identifiers: ClinVar variation 1613120 (VCV001613120.10), dbSNP rs201430138, ClinGen allele CA8960194.
Genomic context (GRCh38, chr18:49,837,750, plus strand): 5'-TTCCAGGCAGTATGAGTTATCCCCATCTGCCATGCTGGAGGAGCGCTTCCGGTAGCCGGT[G>A]GGCTTCACACCAGATAGACCCTGAATGCTCTCATTTTCCAACATGGCAGAAACTGAAATA-3'
Protein context (NP_001073936.1, residues 1625-1645): ESIQGLSGVK[Pro1635=]TGYRKRSSSM